The following is an entry in ClinVar:

ClinVar aggregate classification (germline): Pathogenic (1 of 4 stars; one submission).

Conditions:
Arginase deficiency. Also called: ARGININEMIA; ARG1 DEFICIENCY; Arginase 1 Deficiency. Identifiers: Orphanet 90, MedGen C0268548, MONDO:0008814, OMIM 207800.

Submission:

Labcorp Genetics (formerly Invitae), Labcorp
Classification: Pathogenic for Arginase deficiency. Last evaluated: 2021-08-12. Review status: criteria provided, single submitter. Criteria: Invitae Variant Classification Sherloc (09022015). Collection method: clinical testing. Allele origin: germline.
Comment: This variant is a gross deletion of the genomic region encompassing exon(s) 2-8 of the ARG1 gene, which includes the termination codon. This deletion extends beyond the assayed region for this gene and therefore may encompass additional genes. While this deletion is not anticipated to lead to nonsense mediated decay, it is expected to alter mRNA translation or result in a truncated protein product. A similar copy number variant has been observed in individual(s) with arginase deficiency (PMID: 15565656). This variant disrupts a region of the ARG1 protein in which other variant(s) (p.Leu282Trpfs*8) have been determined to be pathogenic (PMID: 1463019). This suggests that this is a clinically significant region of the protein, and that variants that disrupt it are likely to be disease-causing. For these reasons, this variant has been classified as Pathogenic.

Literature cited by the submitters: PubMed 15565656; PubMed 1463019.

NC_000006.12:g.(?_131576653)_(131583918_?)del

Genes: ARG1 (arginase 1; plus strand), MED23 (mediator complex subunit 23; minus strand). Cytogenetic location: 6q23.2.
Variant type: Deletion.
Identifiers: ClinVar variation 657915 (VCV000657915.6).